The following is an entry in ClinVar:

NM_020632.3(ATP6V0A4):c.1955C>T (p.Pro652Leu)

Gene: ATP6V0A4 (ATPase H+ transporting V0 subunit a4; minus strand). Cytogenetic location: 7q34.
Variant type: single nucleotide variant.
Coding change: c.1955C>T on transcript NM_020632.3 (MANE Select); coding-DNA position 1955, C replaced by T.
Protein change: p.Pro652Leu; replaces proline 652 with leucine.
Molecular consequence: missense variant.
Genome position (GRCh38, 1-based): chr7:138,728,816, G>A on the plus strand (C>T on the coding strand, the complement: ATP6V0A4 is on the minus strand). VCF-style: chr7-138728816-G-A. GRCh37 (hg19) VCF-style: chr7-138413561-G-A.
Other names: c.1955C>T, p.Pro652Leu (NM_130840.3, NM_130841.3); short protein forms P652L.
Identifiers: ClinVar variation 2221179 (VCV002221179.5), dbSNP rs149289710, ClinGen allele CA4504582.

ClinVar aggregate classification (germline): Uncertain significance. Review status: criteria provided, multiple submitters, no conflicts (2 of 4 stars). 3 submissions from 3 submitters: Uncertain significance (3). Last evaluated 2024-06-08.

Conditions:
Renal tubular acidosis, distal, 3, with or without sensorineural hearing loss (DRTA3). Identifiers: MedGen C5399980, MONDO:0011268, OMIM 602722.
Inborn genetic diseases. Identifiers: MedGen C0950123, MeSH D030342.

Allele frequency attached by ClinVar (database versions not stated): gnomAD exomes 0.00004.
gnomAD v4.1: 58 of 1,613,936 alleles (0.0036%); highest among the groups gnomAD compares: East Asian, 0.053%; no homozygotes.

Submissions (3):

Fulgent Genetics
Classification: Uncertain significance for Renal tubular acidosis, distal, 3, with or without sensorineural hearing loss. Last evaluated: 2024-06-08. Review status: criteria provided, single submitter. Criteria: ACMG Guidelines, 2015. Collection method: clinical testing. Allele origin: germline.

Ambry Genetics
Classification: Uncertain significance for Inborn genetic diseases. Last evaluated: 2021-10-06. Review status: criteria provided, single submitter. Criteria: Ambry Variant Classification Scheme 2023. Collection method: clinical testing. Allele origin: germline.

Juno Genomics, Hangzhou Juno Genomics, Inc
Classification: Uncertain significance for Renal tubular acidosis, distal, 3, with or without sensorineural hearing loss. Review status: criteria provided, single submitter. Criteria: ACMG Guidelines, 2015. Collection method: clinical testing. Allele origin: germline.
Comment: Absent from controls (or at extremely low frequency if recessive) in Genome Aggregation Database.;Multiple lines of computational evidence support a deleterious effect on the gene or gene product.